The following is an entry in ClinVar:

NM_001942.4(DSG1):c.346G>A (p.Asp116Asn)

Gene: DSG1 (desmoglein 1; plus strand). Cytogenetic location: 18q12.1.
Variant type: single nucleotide variant.
Coding change: c.346G>A on transcript NM_001942.4 (MANE Select); coding-DNA position 346, G replaced by A.
Protein change: p.Asp116Asn; replaces aspartic acid 116 with asparagine.
Molecular consequence: missense variant.
Genome position (GRCh38, 1-based): chr18:31,328,318, G>A. VCF-style: chr18-31328318-G-A. GRCh37 (hg19) VCF-style: chr18-28908281-G-A.
Other names: c.346G>A (NM_001942.2); short protein forms D116N.
Identifiers: ClinVar variation 1437228 (VCV001437228.10), dbSNP rs150168711, ClinGen allele CA8925817.

ClinVar aggregate classification (germline): Uncertain significance. Review status: criteria provided, multiple submitters, no conflicts (2 of 4 stars). 2 submissions from 2 submitters: Uncertain significance (2). Last evaluated 2025-12-15.

Conditions:
Inborn genetic diseases. Identifiers: MedGen C0950123, MeSH D030342.

Allele frequency attached by ClinVar (database versions not stated): ESP Exome Variant Server 0.00008; gnomAD 0.00011 and 0.00012; gnomAD exomes 0.00012; TOPMed 0.00013; ExAC 0.00014; 1000 Genomes Project 30x 0.00016; 1000 Genomes Project 0.00020.
gnomAD v4.1: 283 of 1,613,266 alleles (0.018%); highest among the groups gnomAD compares: Non-Finnish European, 0.023%; no homozygotes.

Submissions (2):

Labcorp Genetics (formerly Invitae), Labcorp
Classification: Uncertain significance. Last evaluated: 2025-12-15. Review status: criteria provided, single submitter. Criteria: Invitae Variant Classification Sherloc (09022015). Collection method: clinical testing. Allele origin: germline.
Comment: This sequence change replaces aspartic acid, which is acidic and polar, with asparagine, which is neutral and polar, at codon 116 of the DSG1 protein (p.Asp116Asn). This variant is present in population databases (rs150168711, gnomAD 0.02%). This variant has not been reported in the literature in individuals affected with DSG1-related conditions. ClinVar contains an entry for this variant (Variation ID: 1437228). Invitae Evidence Modeling of protein sequence and biophysical properties (such as structural, functional, and spatial information, amino acid conservation, physicochemical variation, residue mobility, and thermodynamic stability) indicates that this missense variant is not expected to disrupt DSG1 protein function with a negative predictive value of 80%. In summary, the available evidence is currently insufficient to determine the role of this variant in disease. Therefore, it has been classified as a Variant of Uncertain Significance.

Ambry Genetics
Classification: Uncertain significance for Inborn genetic diseases. Last evaluated: 2025-12-04. Review status: criteria provided, single submitter. Criteria: Ambry Variant Classification Scheme 2023. Collection method: clinical testing. Allele origin: germline.